The following is an entry in ClinVar:

NM_000238.4(KCNH2):c.2776C>T (p.Pro926Ser)

Gene: KCNH2 (potassium voltage-gated channel subfamily H member 2; minus strand). Cytogenetic location: 7q36.1.
Variant type: single nucleotide variant.
Coding change: c.2776C>T on transcript NM_000238.4 (MANE Select); coding-DNA position 2776, C replaced by T.
Protein change: p.Pro926Ser; replaces proline 926 with serine.
Molecular consequence: missense variant.
Genome position (GRCh38, 1-based): chr7:150,947,795, G>A on the plus strand (C>T on the coding strand, the complement: KCNH2 is on the minus strand). VCF-style: chr7-150947795-G-A. GRCh37 (hg19) VCF-style: chr7-150644883-G-A.
Other names: c.2488C>T, p.Pro830Ser (NM_001406753.1); c.1756C>T, p.Pro586Ser (NM_172057.3); short protein forms P586S, P830S, P926S.
Identifiers: ClinVar variation 2199262 (VCV002199262.4), dbSNP rs899224669, ClinGen allele CA169072612.
Genomic context (GRCh38, chr7:150,947,795, plus strand): 5'-GGCCCTCATCCTCACTGCTCTCAGGGCTGGAGGGGCCACTGGACGGGCTCTCCCCCCACG[G>A]CCCCCCCGGCCGGCCCCGGCTACTCGGCCCTGCCCCCGCCCGGCCCGGCCCCAAGGCCGA-3'
Protein context (NP_000229.1, residues 916-936): GPSSRGRPGG[Pro926Ser]WGESPSSGPS

ClinVar aggregate classification (germline): Uncertain significance (1 of 4 stars; one submission).

Conditions:
Long QT syndrome (LQTS). Identifiers: MedGen C0023976, MeSH D008133, MONDO:0002442. Disease mechanism: loss of function. Inheritance: Various modes of inheritance.

Allele frequency attached by ClinVar (database versions not stated): TOPMed below 0.00001.
gnomAD v4.1: 1 of 1,532,190 alleles (0.000065%); no homozygotes.

Submission:

Labcorp Genetics (formerly Invitae), Labcorp
Classification: Uncertain significance for Long QT syndrome. Last evaluated: 2023-10-27. Review status: criteria provided, single submitter. Criteria: Invitae Variant Classification Sherloc (09022015). Collection method: clinical testing. Allele origin: germline.
Comment: This sequence change replaces proline, which is neutral and non-polar, with serine, which is neutral and polar, at codon 926 of the KCNH2 protein (p.Pro926Ser). This variant is not present in population databases (gnomAD no frequency). This variant has not been reported in the literature in individuals affected with KCNH2-related conditions. ClinVar contains an entry for this variant (Variation ID: 2199262). Algorithms developed to predict the effect of missense changes on protein structure and function output the following: SIFT: "Not Available"; PolyPhen-2: "Benign"; Align-GVGD: "Not Available". The serine amino acid residue is found in multiple mammalian species, which suggests that this missense change does not adversely affect protein function. In summary, the available evidence is currently insufficient to determine the role of this variant in disease. Therefore, it has been classified as a Variant of Uncertain Significance.